The following is an entry in ClinVar:

NM_182972.3(IRF2BP2):c.974T>G (p.Phe325Cys)

Genes: IRF2BP2 (interferon regulatory factor 2 binding protein 2; minus strand), LOC129932810 (ATAC-STARR-seq lymphoblastoid active region 2760; plus strand). Cytogenetic location: 1q42.3.
Variant type: single nucleotide variant.
Coding change: c.974T>G on transcript NM_182972.3 (MANE Select); coding-DNA position 974, T replaced by G.
Protein change: p.Phe325Cys; replaces phenylalanine 325 with cysteine.
Molecular consequence: missense variant.
Genome position (GRCh38, 1-based): chr1:234,608,521, A>C on the plus strand (T>G on the coding strand, the complement: IRF2BP2 is on the minus strand). VCF-style: chr1-234608521-A-C. GRCh37 (hg19) VCF-style: chr1-234744267-A-C.
Other names: c.974T>G, p.Phe325Cys (NM_001077397.1); short protein forms F325C.
Identifiers: ClinVar variation 2558765 (VCV002558765.3), dbSNP rs539159123, ClinGen allele CA1461709.

ClinVar aggregate classification (germline): Uncertain significance. Review status: criteria provided, multiple submitters, no conflicts (2 of 4 stars). 2 submissions from 2 submitters: Uncertain significance (2). Last evaluated 2025-09-06.

Allele frequency attached by ClinVar (database versions not stated): TOPMed below 0.00001; ExAC 0.00001; gnomAD 0.00001; 1000 Genomes Project 30x 0.00016; 1000 Genomes Project 0.00020.
gnomAD v4.1: 12 of 1,610,764 alleles (0.00074%); highest among the groups gnomAD compares: South Asian, 0.011%; no homozygotes.

Submissions (2):

Labcorp Genetics (formerly Invitae), Labcorp
Classification: Uncertain significance. Last evaluated: 2025-09-06. Review status: criteria provided, single submitter. Criteria: Invitae Variant Classification Sherloc (09022015). Collection method: clinical testing. Allele origin: germline.
Comment: This sequence change replaces phenylalanine, which is neutral and non-polar, with cysteine, which is neutral and slightly polar, at codon 325 of the IRF2BP2 protein (p.Phe325Cys). This variant is present in population databases (rs539159123, gnomAD 0.01%). This variant has not been reported in the literature in individuals affected with IRF2BP2-related conditions. ClinVar contains an entry for this variant (Variation ID: 2558765). An algorithm developed to predict the effect of missense changes on protein structure and function (PolyPhen-2) suggests that this variant is likely to be disruptive. In summary, the available evidence is currently insufficient to determine the role of this variant in disease. Therefore, it has been classified as a Variant of Uncertain Significance.

Ambry Genetics
Classification: Uncertain significance. Last evaluated: 2023-06-07. Review status: criteria provided, single submitter. Criteria: Ambry Variant Classification Scheme 2023. Collection method: clinical testing. Allele origin: germline.